The following is an entry in ClinVar:

ClinVar aggregate classification (germline): Uncertain significance. Review status: criteria provided, multiple submitters, no conflicts (2 of 4 stars). 2 submissions from 2 submitters: Uncertain significance (2). Last evaluated 2024-07-17.

Conditions:
Inborn genetic diseases. Identifiers: MedGen C0950123, MeSH D030342.

Allele frequency attached by ClinVar (database versions not stated): gnomAD exomes 0.00001.

Submissions (2):

Ambry Genetics
Classification: Uncertain significance for Inborn genetic diseases. Last evaluated: 2024-07-17. Review status: criteria provided, single submitter. Criteria: Ambry Variant Classification Scheme 2023. Collection method: clinical testing. Allele origin: germline.

Labcorp Genetics (formerly Invitae), Labcorp
Classification: Uncertain significance. Last evaluated: 2022-06-16. Review status: criteria provided, single submitter. Criteria: Invitae Variant Classification Sherloc (09022015). Collection method: clinical testing. Allele origin: germline.
Comment: This sequence change replaces proline, which is neutral and non-polar, with leucine, which is neutral and non-polar, at codon 65 of the GPX4 protein (p.Pro65Leu). This variant is not present in population databases (gnomAD no frequency). This variant has not been reported in the literature in individuals affected with GPX4-related conditions. Algorithms developed to predict the effect of missense changes on protein structure and function are either unavailable or do not agree on the potential impact of this missense change (SIFT: "Tolerated"; PolyPhen-2: "Not Available"; Align-GVGD: "Class C0"). In summary, the available evidence is currently insufficient to determine the role of this variant in disease. Therefore, it has been classified as a Variant of Uncertain Significance.

NM_002085.5(GPX4):c.85-258C>T

Gene: GPX4 (glutathione peroxidase 4; plus strand). Cytogenetic location: 19p13.3.
Variant type: single nucleotide variant.
Coding change: c.85-258C>T on transcript NM_002085.5 (MANE Select); 258 bases into the intron before coding-DNA position 85, C replaced by T.
Molecular consequence: intron variant. On other transcripts: missense variant (1).
Genome position (GRCh38, 1-based): chr19:1,104,928, C>T. VCF-style: chr19-1104928-C-T. GRCh37 (hg19) VCF-style: chr19-1104927-C-T.
Other names: c.194C>T, p.Pro65Leu (NM_001039848.4); c.85-258C>T (NM_001039847.3); c.4-258C>T (NM_001367832.1); c.194C>T (NM_001039848.1); short protein forms P65L.
Identifiers: ClinVar variation 1895663 (VCV001895663.6), dbSNP rs2512690555, ClinGen allele CA402935400.